The following is an entry in ClinVar:

NM_001379403.1(WDR26):c.1319+3A>G

Gene: WDR26 (WD repeat domain 26; minus strand). Cytogenetic location: 1q42.12.
Variant type: single nucleotide variant.
Coding change: c.1319+3A>G on transcript NM_001379403.1 (MANE Select); 3 bases into the intron after coding-DNA position 1319, A replaced by G.
Molecular consequence: intron variant.
Genome position (GRCh38, 1-based): chr1:224,418,257, T>C on the plus strand (A>G on the coding strand, the complement: WDR26 is on the minus strand). VCF-style: chr1-224418257-T-C. GRCh37 (hg19) VCF-style: chr1-224605959-T-C.
Other names: c.971+3A>G (NM_001115113.3); c.1019+3A>G (NM_025160.7).
Identifiers: ClinVar variation 3368475 (VCV003368475.1).
Genomic context (GRCh38, chr1:224,418,257, plus strand): 5'-AAAGAAAACTAAAATTTTGTAAAATGTTAGGCTGTTTCAGAATATAGGAAGTTTTCCTCT[T>C]ACCTACTACAAACATGGTCTATAAGCAGAGACACAGAATCTAGATTATTATCAAGTTTGG-3'

ClinVar aggregate classification (germline): Uncertain significance (1 of 4 stars; one submission).

Submission:

GeneDx
Classification: Uncertain significance. Last evaluated: 2024-02-06. Review status: criteria provided, single submitter. Criteria: GeneDx Variant Classification Process June 2021. Collection method: clinical testing. Allele origin: germline. Affected: yes.
Comment: Not observed at significant frequency in large population cohorts (gnomAD); In silico analysis supports a deleterious effect on splicing; Has not been previously published as pathogenic or benign to our knowledge